The following is an entry in ClinVar:

ClinVar aggregate classification (germline): Uncertain significance. Review status: criteria provided, multiple submitters, no conflicts (2 of 4 stars). 2 submissions from 2 submitters: Uncertain significance (2). Last evaluated 2026-07-06.

Conditions:
Hereditary cancer-predisposing syndrome. Also called: Hereditary neoplastic syndrome; Neoplastic Syndromes, Hereditary; Tumor predisposition; Hereditary Cancer Syndrome. Identifiers: Orphanet 140162, MedGen C0027672, MeSH D009386, MONDO:0015356.

Submissions (2):

Ambry Genetics
Classification: Uncertain significance for Hereditary cancer-predisposing syndrome. Last evaluated: 2026-07-06. Review status: criteria provided, single submitter. Criteria: Ambry Variant Classification Scheme 2023. Collection method: clinical testing. Allele origin: germline.
Comment: The p.K502E variant (also known as c.1504A>G), located in coding exon 10 of the FH gene, results from an A to G substitution at nucleotide position 1504. The lysine at codon 502 is replaced by glutamic acid, an amino acid with similar properties. This amino acid position is conserved. In addition, this alteration is predicted to be deleterious by in silico analysis. Based on the available evidence, the clinical significance of this variant remains unclear.

Labcorp Genetics (formerly Invitae), Labcorp
Classification: Uncertain significance. Last evaluated: 2022-07-30. Review status: criteria provided, single submitter. Criteria: Invitae Variant Classification Sherloc (09022015). Collection method: clinical testing. Allele origin: germline.
Comment: This variant is not present in population databases (gnomAD no frequency). This variant has not been reported in the literature in individuals affected with FH-related conditions. Algorithms developed to predict the effect of missense changes on protein structure and function (SIFT, PolyPhen-2, Align-GVGD) all suggest that this variant is likely to be tolerated. In summary, the available evidence is currently insufficient to determine the role of this variant in disease. Therefore, it has been classified as a Variant of Uncertain Significance. This sequence change replaces lysine, which is basic and polar, with glutamic acid, which is acidic and polar, at codon 502 of the FH protein (p.Lys502Glu).

NM_000143.4(FH):c.1504A>G (p.Lys502Glu)

Gene: FH (fumarate hydratase; minus strand). Cytogenetic location: 1q43.
Variant type: single nucleotide variant.
Coding change: c.1504A>G on transcript NM_000143.4 (MANE Select); coding-DNA position 1504, A replaced by G.
Protein change: p.Lys502Glu; replaces lysine 502 with glutamic acid.
Molecular consequence: missense variant.
Genome position (GRCh38, 1-based): chr1:241,497,857, T>C on the plus strand (A>G on the coding strand, the complement: FH is on the minus strand). VCF-style: chr1-241497857-T-C. GRCh37 (hg19) VCF-style: chr1-241661157-T-C.
Other names: short protein forms K502E.
Identifiers: ClinVar variation 2020523 (VCV002020523.5), dbSNP rs2527308339, ClinGen allele CA345450190.